The following is an entry in ClinVar:

ClinVar aggregate classification (germline): Uncertain significance (1 of 4 stars; one submission).

Conditions:
Hereditary cancer-predisposing syndrome. Also called: Hereditary neoplastic syndrome; Neoplastic Syndromes, Hereditary; Tumor predisposition; Hereditary Cancer Syndrome. Identifiers: Orphanet 140162, MedGen C0027672, MeSH D009386, MONDO:0015356.

Submission:

Ambry Genetics
Classification: Uncertain significance for Hereditary cancer-predisposing syndrome. Last evaluated: 2025-07-25. Review status: criteria provided, single submitter. Criteria: Ambry Variant Classification Scheme 2023. Collection method: clinical testing. Allele origin: germline.
Comment: The p.E1409G variant (also known as c.4226A>G), located in coding exon 33 of the POLE gene, results from an A to G substitution at nucleotide position 4226. The glutamic acid at codon 1409 is replaced by glycine, an amino acid with similar properties. This amino acid position is conserved. In addition, the in silico prediction for this alteration is inconclusive. Based on the available evidence, the clinical significance of this variant remains unclear.

NM_006231.4(POLE):c.4226A>G (p.Glu1409Gly)

Gene: POLE (DNA polymerase epsilon, catalytic subunit; minus strand). Cytogenetic location: 12q24.33.
Variant type: single nucleotide variant.
Coding change: c.4226A>G on transcript NM_006231.4 (MANE Select); coding-DNA position 4226, A replaced by G.
Protein change: p.Glu1409Gly; replaces glutamic acid 1409 with glycine.
Molecular consequence: missense variant.
Genome position (GRCh38, 1-based): chr12:132,643,901, T>C on the plus strand (A>G on the coding strand, the complement: POLE is on the minus strand). VCF-style: chr12-132643901-T-C. GRCh37 (hg19) VCF-style: chr12-133220487-T-C.
Other names: short protein forms E1409G.
Identifiers: ClinVar variation 4141178 (VCV004141178.1).